The following is an entry in ClinVar:

ClinVar aggregate classification (germline): Uncertain significance (1 of 4 stars; one submission).

Submission:

Labcorp Genetics (formerly Invitae), Labcorp
Classification: Uncertain significance. Last evaluated: 2025-05-18. Review status: criteria provided, single submitter. Criteria: Invitae Variant Classification Sherloc (09022015). Collection method: clinical testing. Allele origin: germline.
Comment: This sequence change replaces lysine, which is basic and polar, with asparagine, which is neutral and polar, at codon 615 of the ABL1 protein (p.Lys615Asn). This variant is not present in population databases (gnomAD no frequency). This variant has not been reported in the literature in individuals affected with ABL1-related conditions. Invitae Evidence Modeling of protein sequence and biophysical properties (such as structural, functional, and spatial information, amino acid conservation, physicochemical variation, residue mobility, and thermodynamic stability) indicates that this missense variant is not expected to disrupt ABL1 protein function with a negative predictive value of 95%. In summary, the available evidence is currently insufficient to determine the role of this variant in disease. Therefore, it has been classified as a Variant of Uncertain Significance.

NM_005157.6(ABL1):c.1788G>C (p.Lys596Asn)

Gene: ABL1 (ABL proto-oncogene 1, non-receptor tyrosine kinase; plus strand). Cytogenetic location: 9q34.12.
Variant type: single nucleotide variant.
Coding change: c.1788G>C on transcript NM_005157.6 (MANE Select); coding-DNA position 1788, G replaced by C.
Protein change: p.Lys596Asn; replaces lysine 596 with asparagine.
Molecular consequence: missense variant.
Genome position (GRCh38, 1-based): chr9:130,884,078, G>C. VCF-style: chr9-130884078-G-C. GRCh37 (hg19) VCF-style: chr9-133759465-G-C.
Other names: c.1845G>C, p.Lys615Asn (NM_007313.3); short protein forms K615N, K596N.
Identifiers: ClinVar variation 4772053 (VCV004772053.1).